The following is an entry in ClinVar:

ClinVar aggregate classification (germline): Uncertain significance. Review status: criteria provided, multiple submitters, no conflicts (2 of 4 stars). 2 submissions from 2 submitters: Uncertain significance (2). Last evaluated 2021-09-17.

Allele frequency attached by ClinVar (database versions not stated): gnomAD 0.00001; gnomAD exomes 0.00001 and 0.00002; TOPMed 0.00001; ExAC 0.00005.
gnomAD v4.1: 23 of 1,613,898 alleles (0.0014%); highest among the groups gnomAD compares: Non-Finnish European, 0.0017%; no homozygotes.

Submissions (2):

Labcorp Genetics (formerly Invitae), Labcorp
Classification: Uncertain significance. Last evaluated: 2021-09-17. Review status: criteria provided, single submitter. Criteria: Invitae Variant Classification Sherloc (09022015). Collection method: clinical testing. Allele origin: germline.
Comment: This sequence change replaces lysine with asparagine at codon 2758 of the FAT4 protein (p.Lys2758Asn). The lysine residue is highly conserved and there is a moderate physicochemical difference between lysine and asparagine. This variant is present in population databases (rs750907829, ExAC 0.009%). This variant has not been reported in the literature in individuals affected with FAT4-related conditions. ClinVar contains an entry for this variant (Variation ID: 809681). Advanced modeling of protein sequence and biophysical properties (such as structural, functional, and spatial information, amino acid conservation, physicochemical variation, residue mobility, and thermodynamic stability) performed at Invitae indicates that this missense variant is not expected to disrupt FAT4 protein function. In summary, the available evidence is currently insufficient to determine the role of this variant in disease. Therefore, it has been classified as a Variant of Uncertain Significance.

CeGaT Center for Human Genetics Tuebingen
Classification: Uncertain significance. Last evaluated: 2018-12-01. Review status: criteria provided, single submitter. Criteria: CeGaT Center For Human Genetics Tuebingen Variant Classification Criteria Version 2. Collection method: clinical testing. Allele origin: germline. Affected: yes. Observed: 1 variant allele.

NM_001291303.3(FAT4):c.8280A>C (p.Lys2760Asn)

Gene: FAT4 (FAT atypical cadherin 4; plus strand). Cytogenetic location: 4q28.1.
Variant type: single nucleotide variant.
Coding change: c.8280A>C on transcript NM_001291303.3 (MANE Select); coding-DNA position 8280, A replaced by C.
Protein change: p.Lys2760Asn; replaces lysine 2760 with asparagine.
Molecular consequence: missense variant.
Genome position (GRCh38, 1-based): chr4:125,449,290, A>C. VCF-style: chr4-125449290-A-C. GRCh37 (hg19) VCF-style: chr4-126370445-A-C.
Other names: c.8280A>C, p.Lys2760Asn (NM_001291285.3); c.8274A>C, p.Lys2758Asn (NM_024582.6); short protein forms K2760N, K2758N.
Identifiers: ClinVar variation 809681 (VCV000809681.47), dbSNP rs750907829, ClinGen allele CA3073340.